The following is an entry in ClinVar:

NM_002474.3(MYH11):c.3652-13C>T

Gene: MYH11 (myosin heavy chain 11; minus strand). Cytogenetic location: 16p13.11.
Variant type: single nucleotide variant.
Coding change: c.3652-13C>T on transcript NM_002474.3 (MANE Select); 13 bases into the intron before coding-DNA position 3652, C replaced by T.
Molecular consequence: intron variant.
Genome position (GRCh38, 1-based): chr16:15,727,067, G>A on the plus strand (C>T on the coding strand, the complement: MYH11 is on the minus strand). VCF-style: chr16-15727067-G-A. GRCh37 (hg19) VCF-style: chr16-15820924-G-A.
Other names: c.3652-13C>T (NM_022844.3); c.3673-13C>T (NM_001040114.2, NM_001040113.2).
Identifiers: ClinVar variation 1578406 (VCV001578406.9), dbSNP rs775855747, ClinGen allele CA7921927.

ClinVar aggregate classification (germline): Likely benign. Review status: criteria provided, multiple submitters, no conflicts (2 of 4 stars). 3 submissions from 3 submitters: Likely benign (3). Last evaluated 2025-10-19.

Conditions:
Familial thoracic aortic aneurysm and aortic dissection (TAAD). Also called: Thoracic aortic aneurysms and dissections. Identifiers: Orphanet 91387, MedGen C4707243, MONDO:0019625.
Aortic aneurysm, familial thoracic 4 (AAT4). Also called: AORTIC ANEURYSM/AORTIC DISSECTION AND PATENT DUCTUS ARTERIOSUS. Identifiers: MedGen C1851504, MONDO:0007568, OMIM 132900.

Allele frequency attached by ClinVar (database versions not stated): TOPMed below 0.00001; gnomAD 0.00001; gnomAD exomes 0.00001 and 0.00004; ExAC 0.00002.
gnomAD v4.1: 54 of 1,612,392 alleles (0.0033%); highest among the groups gnomAD compares: Non-Finnish European, 0.0046%; no homozygotes.

Submissions (3):

Labcorp Genetics (formerly Invitae), Labcorp
Classification: Likely benign for Aortic aneurysm, familial thoracic 4. Last evaluated: 2025-10-19. Review status: criteria provided, single submitter. Criteria: Invitae Variant Classification Sherloc (09022015). Collection method: clinical testing. Allele origin: germline.

All of Us Research Program, National Institutes of Health
Classification: Likely benign for Familial thoracic aortic aneurysm and aortic dissection. Last evaluated: 2023-08-15. Review status: criteria provided, single submitter. Criteria: ACMG Guidelines, 2015. Collection method: clinical testing. Allele origin: germline. Inheritance: Autosomal dominant inheritance. Observed: 3 variant alleles, 3 heterozygotes.
Comment: This study involves interpretation of variants in research participants for the purpose of population health screening. Participant phenotype was not available at the time of variant classification. Additional details can be found in publication PMID: 35346344, PMCID: PMC8962531

Color Diagnostics, LLC DBA Color Health
Classification: Likely benign for Familial thoracic aortic aneurysm and aortic dissection. Last evaluated: 2023-04-28. Review status: criteria provided, single submitter. Criteria: ACMG Guidelines, 2015. Collection method: clinical testing. Allele origin: germline.